The following is an entry in ClinVar:

ClinVar aggregate classification (germline): Pathogenic (1 of 4 stars; one submission).

Submission:

Labcorp Genetics (formerly Invitae), Labcorp
Classification: Pathogenic. Last evaluated: 2023-03-22. Review status: criteria provided, single submitter. Criteria: Invitae Variant Classification Sherloc (09022015). Collection method: clinical testing. Allele origin: germline.
Comment: For these reasons, this variant has been classified as Pathogenic. This variant has not been reported in the literature in individuals affected with SKIV2L-related conditions. This variant is not present in population databases (gnomAD no frequency). This sequence change creates a premature translational stop signal (p.Trp88*) in the SKIV2L gene. It is expected to result in an absent or disrupted protein product. Loss-of-function variants in SKIV2L are known to be pathogenic (PMID: 22444670).

Literature cited by the submitters: PubMed 22444670.

NM_006929.5(SKIC2):c.262_263insAGATCC (p.Trp88Ter)

Gene: SKIC2 (SKI2 subunit of superkiller complex; plus strand). Cytogenetic location: 6p21.33.
Variant type: Insertion.
Coding change: c.262_263insAGATCC on transcript NM_006929.5 (MANE Select); coding-DNA positions 262 to 263, AGATCC inserted.
Protein change: p.Trp88Ter; replaces tryptophan 88 with a stop codon.
Molecular consequence: nonsense.
Genome position: GRCh38 VCF-style: chr6-31960245-T-TAGATCC. GRCh37 (hg19) VCF-style: chr6-31928022-T-TAGATCC.
Other names: short protein forms W88*.
Identifiers: ClinVar variation 2848399 (VCV002848399.3), dbSNP rs2482881977, ClinGen allele CA2739272866.